The following is an entry in ClinVar:

NM_001330311.2(DVL1):c.1704G>C (p.Gln568His)

Genes: DVL1 (dishevelled segment polarity protein 1; minus strand), LOC129929114 (ATAC-STARR-seq lymphoblastoid silent region 61; plus strand). Cytogenetic location: 1p36.33.
Variant type: single nucleotide variant.
Coding change: c.1704G>C on transcript NM_001330311.2 (MANE Select); coding-DNA position 1704, G replaced by C.
Protein change: p.Gln568His; replaces glutamine 568 with histidine.
Molecular consequence: missense variant.
Genome position (GRCh38, 1-based): chr1:1,337,987, C>G on the plus strand (G>C on the coding strand, the complement: DVL1 is on the minus strand). VCF-style: chr1-1337987-C-G. GRCh37 (hg19) VCF-style: chr1-1273367-C-G.
Other names: c.1629G>C (NM_004421.2); c.1629G>C, p.Gln543His (NM_004421.3); short protein forms Q543H, Q568H.
Identifiers: ClinVar variation 1043608 (VCV001043608.11), dbSNP rs770453846, ClinGen allele CA519960.
Genomic context (GRCh38, chr1:1,337,987, plus strand): 5'-CGGAGCTGGGGGCGGAGCCGGGGAAGGGCAGGTAGGGGCGGCGTTCTCACCTTCACTCTG[C>G]TGACTCCCGGTGCTGCCGCTGCCATAGCTAAAGCCCGGGTCCTGGTAGGCAGGCGGGAAG-3'
Protein context (NP_001317240.1, residues 558-578): FSYGSGSTGS[Gln568His]QSEGSKSSGS

ClinVar aggregate classification (germline): Uncertain significance. Review status: criteria provided, multiple submitters, no conflicts (2 of 4 stars). 2 submissions from 2 submitters: Uncertain significance (2). Last evaluated 2025-01-20.

Conditions:
Inborn genetic diseases. Identifiers: MedGen C0950123, MeSH D030342.

gnomAD v4.1: 56 of 1,611,346 alleles (0.0035%); highest among the groups gnomAD compares: Non-Finnish European, 0.0045%; no homozygotes.

Submissions (2):

Ambry Genetics
Classification: Uncertain significance for Inborn genetic diseases. Last evaluated: 2025-01-20. Review status: criteria provided, single submitter. Criteria: Ambry Variant Classification Scheme 2023. Collection method: clinical testing. Allele origin: germline.

Labcorp Genetics (formerly Invitae), Labcorp
Classification: Uncertain significance. Last evaluated: 2020-07-29. Review status: criteria provided, single submitter. Criteria: Invitae Variant Classification Sherloc (09022015). Collection method: clinical testing. Allele origin: germline.
Comment: This sequence change replaces glutamine with histidine at codon 543 of the DVL1 protein (p.Gln543His). The glutamine residue is highly conserved and there is a small physicochemical difference between glutamine and histidine. In summary, the available evidence is currently insufficient to determine the role of this variant in disease. Therefore, it has been classified as a Variant of Uncertain Significance. Experimental studies and prediction algorithms are not available or were not evaluated, and the functional significance of this variant is currently unknown. This variant has not been reported in the literature in individuals with DVL1-related conditions. This variant is present in population databases (rs770453846, ExAC 0.004%).